The following is an entry in ClinVar:

ClinVar aggregate classification (germline): Conflicting classifications of pathogenicity. Review status: criteria provided, conflicting classifications (1 of 4 stars). 3 submissions from 3 submitters: Likely pathogenic (2); Uncertain significance (1). Last evaluated 2025-03-13.

Conditions:
ADAT3-related disorder. Also called: ADAT3-related condition.
Intellectual disability-strabismus syndrome (NEDBGF). Also called: NEURODEVELOPMENTAL DISORDER WITH BRAIN ABNORMALITIES, POOR GROWTH, AND DYSMORPHIC FACIES. Identifiers: Orphanet 363528, MedGen C4750838, MONDO:0014119, OMIM 615286.

Submissions (3):

PreventionGenetics, part of Exact Sciences
Classification: Uncertain significance for ADAT3-related condition. Last evaluated: 2025-03-13. Review status: criteria provided, single submitter. Criteria: ACMG Guidelines, 2015. Collection method: clinical testing. Allele origin: germline.
Comment: The ADAT3 c.24_37del14 variant is predicted to result in a frameshift and premature protein termination (p.Pro10Alafs*24). To our knowledge, this variant has not been reported in any affected individuals in the literature. Although it is expected to cause a frameshift and early termination in a gene with a single coding exon, this gene contains an alternate transcript whose start codon is just downstream of this change. No other causative early termination changes have been reported in this region. This variant is reported in 0.014% of alleles in individuals of European (Non-Finnish) descent in gnomAD. At this time, the clinical significance of this variant is uncertain due to the absence of conclusive functional and genetic evidence.

Fulgent Genetics
Classification: Likely pathogenic for Intellectual disability-strabismus syndrome. Last evaluated: 2024-01-03. Review status: criteria provided, single submitter. Criteria: ACMG Guidelines, 2015. Collection method: clinical testing. Allele origin: germline.

Greenwood Genetic Center Diagnostic Laboratories, Greenwood Genetic Center
Classification: Likely pathogenic. Last evaluated: 2020-11-03. Review status: criteria provided, single submitter. Criteria: ACMG Guidelines, 2015. Collection method: clinical testing. Allele origin: germline. Affected: yes.
Comment: PVS1, PM2

NM_138422.4(ADAT3):c.24_37del (p.Pro10fs)

Genes: ADAT3 (adenosine deaminase tRNA specific 3; plus strand), SCAMP4 (secretory carrier membrane protein 4; plus strand). Cytogenetic location: 19p13.3.
Variant type: Deletion.
Coding change: c.24_37del on transcript NM_138422.4 (MANE Select); coding-DNA positions 24 to 37, 14 bases deleted (TCTCCCACAGTCGG).
Protein change: p.Pro10fs; shifts the reading frame from proline 10.
Molecular consequence: frameshift variant. On other transcripts: intron variant (3), splice acceptor variant (1).
Genome position (GRCh38, 1-based): chr19:1,912,071-1,912,084, TCTCCCACAGTCGG deleted; deleting any 14 consecutive bases within chr19:1,912,070-1,912,084 gives the same sequence; the c. name uses the placement nearest the transcript's 3' end. VCF-style (leftmost placement, unchanged base first): chr19-1912069-TGTCTCCCACAGTCG-T. GRCh37 (hg19) VCF-style: chr19-1912068-TGTCTCCCACAGTCG-T.
Other names: c.24_37del14 (NM_138422.3); c.-41-2908_-41-2895del (NM_079834.4, NM_001329540.2); c.-125-5623_-125-5610del (NM_001329539.2); c.-15-10_-12del (NM_001329533.2); short protein forms P10fs.
Identifiers: ClinVar variation 1331555 (VCV001331555.6), dbSNP rs752360082, ClinGen allele CA9054466.